The following is an entry in ClinVar:

ClinVar aggregate classification (germline): Uncertain significance (1 of 4 stars; one submission).

Submission:

GeneDx
Classification: Uncertain significance. Last evaluated: 2024-07-02. Review status: criteria provided, single submitter. Criteria: GeneDx Variant Classification Process June 2021. Collection method: clinical testing. Allele origin: germline. Affected: yes.
Comment: Not observed at significant frequency in large population cohorts (gnomAD); In silico analysis indicates that this missense variant does not alter protein structure/function; Has not been previously published as pathogenic or benign to our knowledge

NM_021625.5(TRPV4):c.508C>A (p.Leu170Ile)

Gene: TRPV4 (transient receptor potential cation channel subfamily V member 4; minus strand). Cytogenetic location: 12q24.11.
Variant type: single nucleotide variant.
Coding change: c.508C>A on transcript NM_021625.5 (MANE Select); coding-DNA position 508, C replaced by A.
Protein change: p.Leu170Ile; replaces leucine 170 with isoleucine.
Molecular consequence: missense variant.
Genome position (GRCh38, 1-based): chr12:109,808,347, G>T on the plus strand (C>A on the coding strand, the complement: TRPV4 is on the minus strand). VCF-style: chr12-109808347-G-T. GRCh37 (hg19) VCF-style: chr12-110246152-G-T.
Other names: c.508C>A, p.Leu170Ile (NM_147204.3, NM_001177428.2, NM_001177433.2); c.406C>A, p.Leu136Ile (NM_001177431.2); short protein forms L170I, L136I.
Identifiers: ClinVar variation 3393783 (VCV003393783.1).